The following is an entry in ClinVar:

ClinVar aggregate classification (germline): Pathogenic. Review status: criteria provided, single submitter (1 of 4 stars). 2 submissions from 2 submitters: Pathogenic (1). 1 of the submissions does not count toward it. Last evaluated 2023-02-09.

Conditions:
Hermansky-Pudlak syndrome 2 (HPS2). Also called: Platelet defects and oculocutaneous albinism. Identifiers: Orphanet 183678, Orphanet 79430, MedGen C1842362, MONDO:0011997, OMIM 608233.

Allele frequency attached by ClinVar (database versions not stated): gnomAD exomes below 0.00001; TOPMed below 0.00001.
gnomAD v4.1: 4 of 1,613,608 alleles (0.00025%); highest among the groups gnomAD compares: Non-Finnish European, 0.00025%; no homozygotes.

Submissions (2):

Labcorp Genetics (formerly Invitae), Labcorp
Classification: Pathogenic for Hermansky-Pudlak syndrome 2. Last evaluated: 2023-02-09. Review status: criteria provided, single submitter. Criteria: Invitae Variant Classification Sherloc (09022015). Collection method: clinical testing. Allele origin: germline.
Comment: For these reasons, this variant has been classified as Pathogenic. ClinVar contains an entry for this variant (Variation ID: 6377). This variant is also known as C1578T. This premature translational stop signal has been observed in individual(s) with Hermansky-Pudlak syndrome (PMID: 11809908). This variant is not present in population databases (gnomAD no frequency). This sequence change creates a premature translational stop signal (p.Arg509*) in the AP3B1 gene. It is expected to result in an absent or disrupted protein product. Loss-of-function variants in AP3B1 are known to be pathogenic (PMID: 16507770, 23403622).

OMIM
Classification: Pathogenic for HERMANSKY-PUDLAK SYNDROME 2. Last evaluated: 2002-02-01. Review status: no assertion criteria provided. Collection method: literature only. Allele origin: germline. Not counted in ClinVar's aggregate classification.

Literature cited by the submitters: PubMed 11809908 (cited by Labcorp Genetics (formerly Invitae), Labcorp and OMIM); PubMed 16507770 (cited by Labcorp Genetics (formerly Invitae), Labcorp); PubMed 23403622 (cited by Labcorp Genetics (formerly Invitae), Labcorp).

NM_003664.5(AP3B1):c.1525C>T (p.Arg509Ter)

Gene: AP3B1 (adaptor related protein complex 3 subunit beta 1; minus strand). Cytogenetic location: 5q14.1.
Variant type: single nucleotide variant.
Coding change: c.1525C>T on transcript NM_003664.5 (MANE Select); coding-DNA position 1525, C replaced by T.
Protein change: p.Arg509Ter; replaces arginine 509 with a stop codon.
Molecular consequence: nonsense.
Genome position (GRCh38, 1-based): chr5:78,141,268, G>A on the plus strand (C>T on the coding strand, the complement: AP3B1 is on the minus strand). VCF-style: chr5-78141268-G-A. GRCh37 (hg19) VCF-style: chr5-77437092-G-A.
Other names: c.1378C>T, p.Arg460Ter (NM_001271769.2); short protein forms R509*, R460*.
Identifiers: ClinVar variation 6377 (VCV000006377.11), dbSNP rs121908906, ClinGen allele CA340566.